The following is an entry in ClinVar:

NM_006361.6(HOXB13):c.504T>A (p.Ser168Arg)

Gene: HOXB13 (homeobox B13; minus strand). Cytogenetic location: 17q21.32.
Variant type: single nucleotide variant.
Coding change: c.504T>A on transcript NM_006361.6 (MANE Select); coding-DNA position 504, T replaced by A.
Protein change: p.Ser168Arg; replaces serine 168 with arginine.
Molecular consequence: missense variant.
Genome position (GRCh38, 1-based): chr17:48,728,090, A>T on the plus strand (T>A on the coding strand, the complement: HOXB13 is on the minus strand). VCF-style: chr17-48728090-A-T. GRCh37 (hg19) VCF-style: chr17-46805452-A-T.
Other names: short protein forms S168R.
Identifiers: ClinVar variation 2773124 (VCV002773124.4), dbSNP rs1597933977, ClinGen allele CA400107317.
Genomic context (GRCh38, chr17:48,728,090, plus strand): 5'-CTGTTCTCCCTGGCAACACATCTGGCTGTTCCAGCCACCAGCGAGAGCCCAAGACTGGTA[A>T]CTGTCCACAGGCAACAGGGAGTCATGTCGCGGTTCTCCAGGAGCACCCAGAGTCTGCACC-3'
Protein context (NP_006352.2, residues 158-178): PRHDSLLPVD[Ser168Arg]YQSWALAGGW

ClinVar aggregate classification (germline): Uncertain significance. Review status: criteria provided, multiple submitters, no conflicts (2 of 4 stars). 2 submissions from 2 submitters: Uncertain significance (2). Last evaluated 2025-05-02.

Conditions:
Hereditary cancer-predisposing syndrome. Also called: Hereditary neoplastic syndrome; Hereditary Cancer Syndrome; Neoplastic Syndromes, Hereditary; Tumor predisposition. Identifiers: Orphanet 140162, MedGen C0027672, MeSH D009386, MONDO:0015356.

Submissions (2):

Ambry Genetics
Classification: Uncertain significance for Hereditary cancer-predisposing syndrome. Last evaluated: 2025-05-02. Review status: criteria provided, single submitter. Criteria: Ambry Variant Classification Scheme 2023. Collection method: clinical testing. Allele origin: germline.
Comment: The p.S168R variant (also known as c.504T>A), located in coding exon 1 of the HOXB13 gene, results from a T to A substitution at nucleotide position 504. The serine at codon 168 is replaced by arginine, an amino acid with dissimilar properties. This amino acid position is conserved. In addition, the in silico prediction for this alteration is inconclusive. Based on the available evidence, the clinical significance of this variant remains unclear.

Labcorp Genetics (formerly Invitae), Labcorp
Classification: Uncertain significance. Last evaluated: 2023-11-01. Review status: criteria provided, single submitter. Criteria: Invitae Variant Classification Sherloc (09022015). Collection method: clinical testing. Allele origin: germline.
Comment: This sequence change replaces serine, which is neutral and polar, with arginine, which is basic and polar, at codon 168 of the HOXB13 protein (p.Ser168Arg). This variant is not present in population databases (gnomAD no frequency). This variant has not been reported in the literature in individuals affected with HOXB13-related conditions. Advanced modeling of protein sequence and biophysical properties (such as structural, functional, and spatial information, amino acid conservation, physicochemical variation, residue mobility, and thermodynamic stability) performed at Invitae indicates that this missense variant is not expected to disrupt HOXB13 protein function with a negative predictive value of 80%. In summary, the available evidence is currently insufficient to determine the role of this variant in disease. Therefore, it has been classified as a Variant of Uncertain Significance.